The following is an entry in ClinVar:

ClinVar aggregate classification (germline): Uncertain significance. Review status: criteria provided, multiple submitters, no conflicts (2 of 4 stars). 3 submissions from 3 submitters: Uncertain significance (2). 1 of the submissions does not count toward it. Last evaluated 2025-01-11.

Conditions:
Walker-Warburg congenital muscular dystrophy. Also called: Muscular dystrophy-dystroglycanopathy, type A; Walker-Warburg syndrome. Identifiers: Orphanet 899, MedGen C0265221, MONDO:0000171.
Cardiovascular phenotype. Identifiers: MedGen CN230736.

Allele frequency attached by ClinVar (database versions not stated): TOPMed below 0.00001; gnomAD 0.00001; gnomAD exomes 0.00001.
gnomAD v4.1: 5 of 1,612,338 alleles (0.00031%); highest among the groups gnomAD compares: Non-Finnish European, 0.00042%; no homozygotes.

Submissions (3):

Ambry Genetics
Classification: Uncertain significance for Cardiovascular phenotype. Last evaluated: 2025-01-11. Review status: criteria provided, single submitter. Criteria: Ambry Variant Classification Scheme 2023. Collection method: clinical testing. Allele origin: germline.
Comment: The p.F369L variant (also known as c.1107C>G), located in coding exon 8 of the FKTN gene, results from a C to G substitution at nucleotide position 1107. The phenylalanine at codon 369 is replaced by leucine, an amino acid with highly similar properties. This amino acid position is conserved. In addition, this alteration is predicted to be deleterious by in silico analysis. Based on the available evidence, the clinical significance of this variant remains unclear.

Labcorp Genetics (formerly Invitae), Labcorp
Classification: Uncertain significance for Walker-Warburg congenital muscular dystrophy. Last evaluated: 2023-09-01. Review status: criteria provided, single submitter. Criteria: Invitae Variant Classification Sherloc (09022015). Collection method: clinical testing. Allele origin: germline.
Comment: This variant is present in population databases (no rsID available, gnomAD 0.007%). This sequence change replaces phenylalanine, which is neutral and non-polar, with leucine, which is neutral and non-polar, at codon 369 of the FKTN protein (p.Phe369Leu). This variant has not been reported in the literature in individuals affected with FKTN-related conditions. ClinVar contains an entry for this variant (Variation ID: 1019438). Advanced modeling of protein sequence and biophysical properties (such as structural, functional, and spatial information, amino acid conservation, physicochemical variation, residue mobility, and thermodynamic stability) performed at Invitae indicates that this missense variant is expected to disrupt FKTN protein function. In summary, the available evidence is currently insufficient to determine the role of this variant in disease. Therefore, it has been classified as a Variant of Uncertain Significance.

Natera, Inc.
Classification: Uncertain significance for Walker-Warburg congenital muscular dystrophy. Last evaluated: 2021-03-18. Review status: no assertion criteria provided. Collection method: clinical testing. Allele origin: germline. Not counted in ClinVar's aggregate classification.

NM_001079802.2(FKTN):c.1107C>G (p.Phe369Leu)

Gene: FKTN (fukutin; plus strand). Cytogenetic location: 9q31.2.
Variant type: single nucleotide variant.
Coding change: c.1107C>G on transcript NM_001079802.2 (MANE Select); coding-DNA position 1107, C replaced by G.
Protein change: p.Phe369Leu; replaces phenylalanine 369 with leucine.
Molecular consequence: missense variant. On other transcripts: non-coding transcript variant (2).
Genome position (GRCh38, 1-based): chr9:105,619,996, C>G. VCF-style: chr9-105619996-C-G. GRCh37 (hg19) VCF-style: chr9-108382277-C-G.
Other names: c.1107C>G, p.Phe369Leu (NM_001198963.2, NM_001351496.2, NM_001351498.2 and 1 more transcripts); c.1038C>G, p.Phe346Leu (NM_001351497.2); c.711C>G, p.Phe237Leu (NM_001351499.2, NM_001351500.2, NM_001351501.2 and 1 more transcripts); c.1107C>G (NM_001079802.1); short protein forms F237L, F346L, F369L.
Identifiers: ClinVar variation 1019438 (VCV001019438.9), dbSNP rs905981141, ClinGen allele CA197452409.